The following is an entry in ClinVar:

NM_014363.6(SACS):c.12809C>A (p.Thr4270Asn)

Gene: SACS (sacsin molecular chaperone; minus strand). Cytogenetic location: 13q12.12.
Variant type: single nucleotide variant.
Coding change: c.12809C>A on transcript NM_014363.6 (MANE Select); coding-DNA position 12809, C replaced by A.
Protein change: p.Thr4270Asn; replaces threonine 4270 with asparagine.
Molecular consequence: missense variant.
Genome position (GRCh38, 1-based): chr13:23,331,067, G>T on the plus strand (C>A on the coding strand, the complement: SACS is on the minus strand). VCF-style: chr13-23331067-G-T. GRCh37 (hg19) VCF-style: chr13-23905206-G-T.
Other names: c.12368C>A, p.Thr4123Asn (NM_001278055.2); c.12836C>A, p.Thr4279Asn (NM_001437336.1); short protein forms T4123N, T4270N, T4279N.
Identifiers: ClinVar variation 4682335 (VCV004682335.1).

ClinVar aggregate classification (germline): Uncertain significance (1 of 4 stars; one submission).

gnomAD v4.1: 1 of 1,614,096 alleles (0.000062%); highest among the groups gnomAD compares: Admixed American, 0.0017%; no homozygotes.

Submission:

Athena Diagnostics
Classification: Uncertain significance. Last evaluated: 2025-03-13. Review status: criteria provided, single submitter. Criteria: Athena Diagnostics Criteria. Collection method: clinical testing. Allele origin: unknown.
Comment: Available data are insufficient to determine the clinical significance of the variant at this time. This variant has not been reported in large, multi-ethnic general populations. Polyphen and MutationTaster predict this amino acid change may be benign.